The following is an entry in ClinVar:

ClinVar aggregate classification (germline): Conflicting classifications of pathogenicity. Review status: criteria provided, conflicting classifications (1 of 4 stars). 4 submissions from 4 submitters: Uncertain significance (1); Benign (1); Likely benign (2). Last evaluated 2025-07-26.

Conditions:
LAMA4-related disorder. Also called: LAMA4-related condition.

Allele frequency attached by ClinVar (database versions not stated): gnomAD exomes 0.00015 and 0.00047; ExAC 0.00057; 1000 Genomes Project 0.00140; 1000 Genomes Project 30x 0.00141; ESP Exome Variant Server 0.00187; gnomAD 0.00200 and 0.00210; TOPMed 0.00211.

Submissions (4):

PreventionGenetics, part of Exact Sciences
Classification: Likely benign for LAMA4-related condition. Last evaluated: 2025-07-26. Review status: criteria provided, single submitter. Criteria: ACMG Guidelines, 2015. Collection method: clinical testing. Allele origin: germline.
Comment: This variant is classified as likely benign based on ACMG/AMP sequence variant interpretation guidelines (Richards et al. 2015 PMID: 25741868, with internal and published modifications).

CeGaT Center for Human Genetics Tuebingen
Classification: Benign. Last evaluated: 2025-07-01. Review status: criteria provided, single submitter. Criteria: CeGaT Center For Human Genetics Tuebingen Variant Classification Criteria Version 2. Collection method: clinical testing. Allele origin: germline. Affected: yes. Observed: 1 variant allele.
Comment: LAMA4: BS1, BS2

GeneDx
Classification: Likely benign. Last evaluated: 2020-01-12. Review status: criteria provided, single submitter. Criteria: GeneDx Variant Classification Process June 2021. Collection method: clinical testing. Allele origin: germline. Affected: yes.

Laboratory for Molecular Medicine, Mass General Brigham Personalized Medicine
Classification: Uncertain significance. Last evaluated: 2012-01-13. Review status: criteria provided, single submitter. Criteria: LMM Criteria. Collection method: clinical testing. Allele origin: germline. Observed: 1 variant allele.
Comment: Variant classified as Uncertain Significance - Favor Benign. The Ser109X variant (LAMA4) has been identified in 0.5% (18/3570) of African American chromosomes b y the NHLBI Exome Sequencing Project in a broad population (dbSNP rs138579810). This variant creates a premature stop at codon 109, which is located in the only coding exon in this transcript (NM_001105209) and that is 11 amino acids upstream of the wild-type stop codon. At this positi on, this variant is expected to lead to a truncated protein. However, there is l imited information about the location and level of expression of this transcript . In addition, this variant occurs in the intronic region of transcripts that en code the full LAMA4 protein. Although this data suggests that the Ser109X varian t may be benign, additional information is needed to fully assess its clinical s ignificance.

NM_001105206.3(LAMA4):c.195+131C>G

Genes: LAMA4 (laminin subunit alpha 4; minus strand), LAMA4-AS1 (LAMA4 antisense RNA 1; plus strand). Cytogenetic location: 6q21.
Variant type: single nucleotide variant.
Coding change: c.195+131C>G on transcript NM_001105206.3 (MANE Select); 131 bases into the intron after coding-DNA position 195, C replaced by G.
Molecular consequence: intron variant. On other transcripts: nonsense (2).
Genome position (GRCh38, 1-based): chr6:112,253,825, G>C on the plus strand (C>G on the coding strand, the complement: LAMA4 is on the minus strand). VCF-style: chr6-112253825-G-C. GRCh37 (hg19) VCF-style: chr6-112575027-G-C.
Other names: c.326C>G, p.Ser109Ter (NM_001105208.3, NM_001105209.3); c.195+131C>G (NM_002290.5, NM_001105207.3); c.326C>G (NM_001105209.2); short protein forms S109*.
Identifiers: ClinVar variation 43955 (VCV000043955.15), dbSNP rs138579810, ClinGen allele CA213186.
Genomic context (GRCh38, chr6:112,253,825, plus strand): 5'-AACTCTCAACATCCAAATGCAACTTACAAAGGAAAACTCTTTATTTCAAGTTTCCGAACT[G>C]ACCTAGCCCAGGTGAAACTCTCAAGGCACTGGGGAGAGGAAAGAGGCGGAGAGAGAGAGA-3'